The following is an entry in ClinVar:

NC_000010.10:g.(?_121411178)_(121436804_?)dup

Gene: BAG3 (BAG cochaperone 3; plus strand). Cytogenetic location: 10q26.11.
Variant type: Duplication.
Identifiers: ClinVar variation 1447375 (VCV001447375.1).

ClinVar aggregate classification (germline): Uncertain significance (1 of 4 stars; one submission).

Conditions:
Dilated cardiomyopathy 1HH (CMD1HH). Identifiers: Orphanet 154, MedGen C3151293, MONDO:0013479, OMIM 613881.
Myofibrillar myopathy 6. Identifiers: Orphanet 199340, MedGen C2751831, MONDO:0013061, OMIM 612954.

Submission:

Labcorp Genetics (formerly Invitae), Labcorp
Classification: Uncertain significance for Dilated cardiomyopathy 1HH; Myofibrillar myopathy 6. Last evaluated: 2021-03-10. Review status: criteria provided, single submitter. Criteria: Invitae Variant Classification Sherloc (09022015). Collection method: clinical testing. Allele origin: germline.
Comment: A copy number gain of the genomic region encompassing the full coding sequence of the BAG3 gene has been identified. The boundaries of this event are unknown as they extend beyond the assayed region for this gene and therefore may encompass additional genes. As the precise location of this event is unknown, it may be in tandem or it may be located elsewhere in the genome. This variant has not been reported in the literature in individuals with BAG3-related conditions. In summary, the available evidence is currently insufficient to determine the role of this variant in disease. Therefore, it has been classified as a Variant of Uncertain Significance.